The following is an entry in ClinVar:

ClinVar aggregate classification (germline): Uncertain significance (1 of 4 stars; one submission).

Conditions:
Hereditary cancer-predisposing syndrome. Also called: Neoplastic Syndromes, Hereditary; Hereditary neoplastic syndrome; Tumor predisposition; Hereditary Cancer Syndrome. Identifiers: Orphanet 140162, MedGen C0027672, MeSH D009386, MONDO:0015356.

Submission:

Ambry Genetics
Classification: Uncertain significance for Hereditary cancer-predisposing syndrome. Last evaluated: 2023-01-17. Review status: criteria provided, single submitter. Criteria: Ambry Variant Classification Scheme 2023. Collection method: clinical testing. Allele origin: germline.
Comment: The p.E30D variant (also known as c.90A>C), located in coding exon 1 of the MSH6 gene, results from an A to C substitution at nucleotide position 90. The glutamic acid at codon 30 is replaced by aspartic acid, an amino acid with highly similar properties. This amino acid position is conserved. In addition, this alteration is predicted to be tolerated by in silico analysis. Since supporting evidence is limited at this time, the clinical significance of this alteration remains unclear.

NM_000179.3(MSH6):c.90A>C (p.Glu30Asp)

Gene: MSH6 (mutS homolog 6; plus strand). Cytogenetic location: 2p16.3.
Variant type: single nucleotide variant.
Coding change: c.90A>C on transcript NM_000179.3 (MANE Select); coding-DNA position 90, A replaced by C.
Protein change: p.Glu30Asp; replaces glutamic acid 30 with aspartic acid.
Molecular consequence: missense variant. On other transcripts: 5 prime UTR variant (7), non-coding transcript variant (5), intron variant (5).
Genome position (GRCh38, 1-based): chr2:47,783,323, A>C. VCF-style: chr2-47783323-A-C. GRCh37 (hg19) VCF-style: chr2-48010462-A-C.
Other names: c.90A>C, p.Glu30Asp (NM_001281492.2, NM_001406795.1, NM_001406796.1 and 9 more transcripts); c.-647A>C (NM_001281493.2, NM_001406811.1); c.-239A>C (NM_001406799.1); c.35A>C, p.Lys12Thr (NM_001406804.1); c.-839A>C (NM_001406807.1); c.-494A>C (NM_001406812.1); c.-905A>C (NM_001406814.1); c.-450A>C (NM_001406816.1); and 3 more; short protein forms E30D, K12T.
Identifiers: ClinVar variation 2490563 (VCV002490563.2), dbSNP rs1060504760, ClinGen allele CA346734817.